The following is an entry in ClinVar:

ClinVar aggregate classification (germline): Uncertain significance. Review status: criteria provided, multiple submitters, no conflicts (2 of 4 stars). 2 submissions from 2 submitters: Uncertain significance (2). Last evaluated 2025-02-01.

Conditions:
Inborn genetic diseases. Identifiers: MedGen C0950123, MeSH D030342.

Allele frequency attached by ClinVar (database versions not stated): ExAC 0.00001.
gnomAD v4.1: 11 of 1,613,500 alleles (0.00068%); highest among the groups gnomAD compares: Admixed American, 0.0017%; no homozygotes.

Submissions (2):

Ambry Genetics
Classification: Uncertain significance for Inborn genetic diseases. Last evaluated: 2025-02-01. Review status: criteria provided, single submitter. Criteria: Ambry Variant Classification Scheme 2023. Collection method: clinical testing. Allele origin: germline.

Labcorp Genetics (formerly Invitae), Labcorp
Classification: Uncertain significance. Last evaluated: 2022-06-27. Review status: criteria provided, single submitter. Criteria: Invitae Variant Classification Sherloc (09022015). Collection method: clinical testing. Allele origin: germline.
Comment: In summary, the available evidence is currently insufficient to determine the role of this variant in disease. Therefore, it has been classified as a Variant of Uncertain Significance. Algorithms developed to predict the effect of missense changes on protein structure and function are either unavailable or do not agree on the potential impact of this missense change (SIFT: "Not Available"; PolyPhen-2: "Probably Damaging"; Align-GVGD: "Not Available"). This variant has not been reported in the literature in individuals affected with TCF3-related conditions. The frequency data for this variant in the population databases is considered unreliable, as metrics indicate poor data quality at this position in the gnomAD database. This sequence change replaces alanine with threonine at codon 556 of the TCF3 protein (p.Ala556Thr). The alanine residue is highly conserved and there is a small physicochemical difference between alanine and threonine.

NM_003200.5(TCF3):c.1666G>A (p.Ala556Thr)

Gene: TCF3 (transcription factor 3; minus strand). Cytogenetic location: 19p13.3.
Variant type: single nucleotide variant.
Coding change: c.1666G>A on transcript NM_003200.5 (MANE Select); coding-DNA position 1666, G replaced by A.
Protein change: p.Ala556Thr; replaces alanine 556 with threonine.
Molecular consequence: missense variant. On other transcripts: intron variant (2).
Genome position (GRCh38, 1-based): chr19:1,615,441, C>T on the plus strand (G>A on the coding strand, the complement: TCF3 is on the minus strand). VCF-style: chr19-1615441-C-T. GRCh37 (hg19) VCF-style: chr19-1615440-C-T.
Other names: c.1666G>A (NM_003200.3); c.1663G>A, p.Ala555Thr (NM_001351778.2); c.1586+245G>A (NM_001136139.4, NM_001351779.2); short protein forms A556T, A555T.
Identifiers: ClinVar variation 1517802 (VCV001517802.9), dbSNP rs574376071, ClinGen allele CA9049658.